The following is an entry in ClinVar:

ClinVar aggregate classification (germline): Uncertain significance. Review status: reviewed by expert panel (3 of 4 stars). 3 submissions from 3 submitters: Uncertain significance (1). 2 of the submissions do not count toward it. Last evaluated 2025-01-15.

Conditions:
Hereditary thrombocytopenia and hematologic cancer predisposition syndrome. Identifiers: Orphanet 71290, MedGen CN281654, MONDO:0011071.
Hereditary thrombocytopenia and hematological cancer predisposition syndrome associated with RUNX1. Also called: Familial Platelet Disorder with Propensity to Acute Myelogenous Leukemia; Familial thrombocytopenia with propensity to acute myelogenous leukemia; PLATELET DISORDER, ASPIRIN-LIKE; RUNX1 Familial Platelet Disorder with Associated Myeloid Malignancies. Identifiers: Orphanet 71290, MedGen C1832388, MeSH C563324, MONDO:0100083, OMIM 601399.
Acute myeloid leukemia (AML). Also called: Acute myeloid leukemia, adult; AML adult; Acute non-lymphocytic leukemia; Acute granulocytic leukemia; Leukemia, acute myeloid, somatic; Leukemia, acute myelogenous, somatic. Identifiers: Orphanet 519, MedGen C0023467, MeSH D015470, MONDO:0018874, OMIM 601626, HP:0004808. Disease mechanism: Constitutively activated FLT3.

Submissions (3):

ClinGen Myeloid Malignancy Variant Curation Expert Panel
Classification: Uncertain significance for Hereditary thrombocytopenia and hematologic cancer predisposition syndrome. Last evaluated: 2025-01-15. Review status: reviewed by expert panel. Criteria: ClinGen MyeloMalig ACMG Specifications v2. Collection method: curation. Allele origin: germline. Inheritance: Autosomal dominant inheritance.
Comment: NM_001754.5(RUNX1):c.914G>T (p.Gly305Val) is a missense variant which has not been featured in functional or case studies. Computational data has been used to evaluate this variant. It is not present in any population databases with sufficient coverage for RUNX1 (PM2_supporting). This variant has a SpliceAI score of 0, allowing for the application of BP4. In summary, the clinical significance of this variant is uncertain. ACMG/AMP criteria applied, as specified by the Myeloid Malignancy Variant Curation Expert Panel for RUNX1: BP4, PM2_supporting.

Fulgent Genetics
Classification: Uncertain significance for Hereditary thrombocytopenia and hematological cancer predisposition syndrome associated with RUNX1; Acute myeloid leukemia. Last evaluated: 2024-03-08. Review status: criteria provided, single submitter. Criteria: ACMG Guidelines, 2015. Collection method: clinical testing. Allele origin: germline. Not counted in ClinVar's aggregate classification.

Labcorp Genetics (formerly Invitae), Labcorp
Classification: Uncertain significance for Hereditary thrombocytopenia and hematological cancer predisposition syndrome associated with RUNX1. Last evaluated: 2023-03-27. Review status: criteria provided, single submitter. Criteria: Invitae Variant Classification Sherloc (09022015). Collection method: clinical testing. Allele origin: germline. Not counted in ClinVar's aggregate classification.
Comment: In summary, the available evidence is currently insufficient to determine the role of this variant in disease. Therefore, it has been classified as a Variant of Uncertain Significance. Advanced modeling of protein sequence and biophysical properties (such as structural, functional, and spatial information, amino acid conservation, physicochemical variation, residue mobility, and thermodynamic stability) performed at Invitae indicates that this missense variant is not expected to disrupt RUNX1 protein function. This variant has not been reported in the literature in individuals affected with RUNX1-related conditions. This variant is not present in population databases (gnomAD no frequency). This sequence change replaces glycine, which is neutral and non-polar, with valine, which is neutral and non-polar, at codon 305 of the RUNX1 protein (p.Gly305Val).

NM_001754.5(RUNX1):c.914G>T (p.Gly305Val)

Gene: RUNX1 (RUNX family transcription factor 1; minus strand). Cytogenetic location: 21q22.12.
Variant type: single nucleotide variant.
Coding change: c.914G>T on transcript NM_001754.5 (MANE Select); coding-DNA position 914, G replaced by T.
Protein change: p.Gly305Val; replaces glycine 305 with valine.
Molecular consequence: missense variant.
Genome position (GRCh38, 1-based): chr21:34,799,354, C>A on the plus strand (G>T on the coding strand, the complement: RUNX1 is on the minus strand). VCF-style: chr21-34799354-C-A. GRCh37 (hg19) VCF-style: chr21-36171651-C-A.
Other names: NM_001754.5(RUNX1):c.914G>T; p.Gly305Val; c.833G>T, p.Gly278Val (NM_001001890.3); short protein forms G305V, G278V.
Identifiers: ClinVar variation 2850038 (VCV002850038.5), dbSNP rs1399443142, ClinGen allele CA410149667.
Genomic context (GRCh38, chr21:34,799,354, plus strand): 5'-GGCTTACTTGAGAGTCGACTGGAAAGTTCTGCAGAGAGGGTTGTCATGCCGCTGGCACGT[C>A]CAGGTGAAATGGGCGTTGCTGGGTGCACAGAAGGAGAGGCAATGGATCCCAGGTATTGGT-3'
Protein context (NP_001745.2, residues 295-315): SVHPATPISP[Gly305Val]RASGMTTLSA